The following is an entry in ClinVar:

NM_000276.4(OCRL):c.1889T>C (p.Val630Ala)

Gene: OCRL (OCRL inositol polyphosphate-5-phosphatase; plus strand). Cytogenetic location: Xq26.1.
Variant type: single nucleotide variant.
Coding change: c.1889T>C on transcript NM_000276.4 (MANE Select); coding-DNA position 1889, T replaced by C.
Protein change: p.Val630Ala; replaces valine 630 with alanine.
Molecular consequence: missense variant.
Genome position (GRCh38, 1-based): chrX:129,576,326, T>C. VCF-style: chrX-129576326-T-C. GRCh37 (hg19) VCF-style: chrX-128710303-T-C.
Other names: c.1892T>C, p.Val631Ala (NM_001318784.2); c.1889T>C, p.Val630Ala (NM_001587.4); c.1889T>C (NM_000276.3); short protein forms V630A, V631A.
Identifiers: ClinVar variation 1498312 (VCV001498312.8), dbSNP rs768629676, ClinGen allele CA10512260.

ClinVar aggregate classification (germline): Uncertain significance. Review status: criteria provided, multiple submitters, no conflicts (2 of 4 stars). 4 submissions from 4 submitters: Uncertain significance (4). Last evaluated 2025-06-07.

Conditions:
Nephrolithiasis/nephrocalcinosis. Identifiers: MedGen CN580796.
OCRL-related disorder. Also called: OCRL-related condition.
Dent disease type 2. Identifiers: Orphanet 1652, Orphanet 93623, MedGen C1845167, MONDO:0010359, OMIM 300555.
Lowe syndrome (OCRL). Also called: Oculocerebrorenal Syndrome; LOWE OCULOCEREBRORENAL SYNDROME; PHOSPHATIDYLINOSITOL 4,5-BISPHOSPHATE 5-PHOSPHATASE DEFICIENCY. Identifiers: Orphanet 534, MedGen C0028860, MONDO:0010645, OMIM 309000.

Allele frequency attached by ClinVar (database versions not stated): ExAC 0.00001; gnomAD exomes 0.00001 and 0.00002; TOPMed 0.00002.
gnomAD v4.1: 22 of 1,203,918 alleles (0.0018%); highest among the groups gnomAD compares: Non-Finnish European, 0.0025%; no homozygotes.

Submissions (4):

Ambry Genetics
Classification: Uncertain significance for Nephrolithiasis/nephrocalcinosis. Last evaluated: 2025-06-07. Review status: criteria provided, single submitter. Criteria: Ambry Variant Classification Scheme 2023. Collection method: clinical testing. Allele origin: germline.

PreventionGenetics, part of Exact Sciences
Classification: Uncertain significance for OCRL-related condition. Last evaluated: 2023-07-13. Review status: criteria provided, single submitter. Criteria: ACMG Guidelines, 2015. Collection method: clinical testing. Allele origin: germline.
Comment: The OCRL c.1889T>C variant is predicted to result in the amino acid substitution p.Val630Ala. To our knowledge, this variant has not been reported in the literature. This variant is reported in 0.0025% of alleles in individuals of European (Non-Finnish) descent in gnomAD. At this time, the clinical significance of this variant is uncertain due to the absence of conclusive functional and genetic evidence.

Fulgent Genetics
Classification: Uncertain significance for Dent disease type 2; Lowe syndrome. Last evaluated: 2022-05-27. Review status: criteria provided, single submitter. Criteria: ACMG Guidelines, 2015. Collection method: clinical testing. Allele origin: unknown.

Labcorp Genetics (formerly Invitae), Labcorp
Classification: Uncertain significance for Lowe syndrome. Last evaluated: 2021-09-24. Review status: criteria provided, single submitter. Criteria: Invitae Variant Classification Sherloc (09022015). Collection method: clinical testing. Allele origin: germline.
Comment: This sequence change replaces valine with alanine at codon 630 of the OCRL protein (p.Val630Ala). The valine residue is weakly conserved and there is a small physicochemical difference between valine and alanine. This variant is present in population databases (rs768629676, ExAC 0.002%). This variant has not been reported in the literature in individuals with OCRL-related conditions. Advanced modeling of protein sequence and biophysical properties (such as structural, functional, and spatial information, amino acid conservation, physicochemical variation, residue mobility, and thermodynamic stability) performed at Invitae indicates that this missense variant is not expected to disrupt OCRL protein function. In summary, the available evidence is currently insufficient to determine the role of this variant in disease. Therefore, it has been classified as a Variant of Uncertain Significance.